The following is an entry in ClinVar:

ClinVar aggregate classification (germline): Uncertain significance. Review status: criteria provided, multiple submitters, no conflicts (2 of 4 stars). 2 submissions from 2 submitters: Uncertain significance (2). Last evaluated 2020-06-01.

Conditions:
Hereditary cancer-predisposing syndrome. Also called: Hereditary Cancer Syndrome; Neoplastic Syndromes, Hereditary; Tumor predisposition; Hereditary neoplastic syndrome. Identifiers: Orphanet 140162, MedGen C0027672, MeSH D009386, MONDO:0015356.
Mitochondrial complex II deficiency, nuclear type 1. Also called: SUCCINATE CoQ REDUCTASE DEFICIENCY. Identifiers: Orphanet 3208, MedGen C5700310, MONDO:0100294, OMIM 252011.
Pheochromocytoma/paraganglioma syndrome 5. Also called: Paragangliomas 5; SDHA-Related Hereditary Paraganglioma-Pheochromocytoma Syndrome. Identifiers: Orphanet 29072, MedGen C3279992, MONDO:0013602, OMIM 614165.

Allele frequency attached by ClinVar (database versions not stated): TOPMed 0.00001.
gnomAD v4.1: 3 of 1,613,890 alleles (0.00019%); highest among the groups gnomAD compares: African/African-American, 0.0013%; no homozygotes.

Submissions (2):

Labcorp Genetics (formerly Invitae), Labcorp
Classification: Uncertain significance for Pheochromocytoma/paraganglioma syndrome 5; Mitochondrial complex II deficiency, nuclear type 1. Last evaluated: 2020-06-01. Review status: criteria provided, single submitter. Criteria: Invitae Variant Classification Sherloc (09022015). Collection method: clinical testing. Allele origin: germline.
Comment: This sequence change replaces proline with leucine at codon 372 of the SDHA protein (p.Pro372Leu). The proline residue is highly conserved and there is a moderate physicochemical difference between proline and leucine. This variant is not present in population databases (ExAC no frequency). This variant has not been reported in the literature in individuals with SDHA-related conditions. Algorithms developed to predict the effect of missense changes on protein structure and function are either unavailable or do not agree on the potential impact of this missense change (SIFT: "Deleterious"; PolyPhen-2: "Probably Damaging"; Align-GVGD: "Class C15"). In summary, the available evidence is currently insufficient to determine the role of this variant in disease. Therefore, it has been classified as a Variant of Uncertain Significance.

Ambry Genetics
Classification: Uncertain significance for Hereditary cancer-predisposing syndrome. Last evaluated: 2020-01-22. Review status: criteria provided, single submitter. Criteria: Ambry Variant Classification Scheme 2023. Collection method: clinical testing. Allele origin: germline.
Comment: The p.P372L variant (also known as c.1115C>T), located in coding exon 9 of the SDHA gene, results from a C to T substitution at nucleotide position 1115. The proline at codon 372 is replaced by leucine, an amino acid with similar properties. This amino acid position is highly conserved in available vertebrate species. In addition, the in silico prediction for this alteration is inconclusive. Since supporting evidence is limited at this time, the clinical significance of this alteration remains unclear.

NM_004168.4(SDHA):c.1115C>T (p.Pro372Leu)

Gene: SDHA (succinate dehydrogenase complex flavoprotein subunit A; plus strand). Cytogenetic location: 5p15.33.
Variant type: single nucleotide variant.
Coding change: c.1115C>T on transcript NM_004168.4 (MANE Select); coding-DNA position 1115, C replaced by T.
Protein change: p.Pro372Leu; replaces proline 372 with leucine.
Molecular consequence: missense variant.
Genome position (GRCh38, 1-based): chr5:235,194, C>T. VCF-style: chr5-235194-C-T. GRCh37 (hg19) VCF-style: chr5-235309-C-T.
Other names: c.971C>T, p.Pro324Leu (NM_001294332.2); c.1115C>T, p.Pro372Leu (NM_001330758.2); short protein forms P372L, P324L.
Identifiers: ClinVar variation 949972 (VCV000949972.12), dbSNP rs141493530, ClinGen allele CA359013488.